The following is an entry in ClinVar:

NM_014915.3(ANKRD26):c.4744G>C (p.Glu1582Gln)

Gene: ANKRD26 (ankyrin repeat domain containing 26; minus strand). Cytogenetic location: 10p12.1.
Variant type: single nucleotide variant.
Coding change: c.4744G>C on transcript NM_014915.3 (MANE Select); coding-DNA position 4744, G replaced by C.
Protein change: p.Glu1582Gln; replaces glutamic acid 1582 with glutamine.
Molecular consequence: missense variant.
Genome position (GRCh38, 1-based): chr10:27,013,091, C>G on the plus strand (G>C on the coding strand, the complement: ANKRD26 is on the minus strand). VCF-style: chr10-27013091-C-G. GRCh37 (hg19) VCF-style: chr10-27302020-C-G.
Other names: c.4741G>C, p.Glu1581Gln (NM_001256053.2); short protein forms E1582Q, E1581Q.
Identifiers: ClinVar variation 4104121 (VCV004104121.1).

ClinVar aggregate classification (germline): Uncertain significance (1 of 4 stars; one submission).

Conditions:
Inborn genetic diseases. Identifiers: MedGen C0950123, MeSH D030342.

Submission:

Ambry Genetics
Classification: Uncertain significance for Inborn genetic diseases. Last evaluated: 2025-08-10. Review status: criteria provided, single submitter. Criteria: Ambry Variant Classification Scheme 2023. Collection method: clinical testing. Allele origin: germline.
Comment: The p.E1582Q variant (also known as c.4744G>C), located in coding exon 32 of the ANKRD26 gene, results from a G to C substitution at nucleotide position 4744. The glutamic acid at codon 1582 is replaced by glutamine, an amino acid with highly similar properties. This amino acid position is conserved. In addition, this alteration is predicted to be tolerated by in silico analysis. Based on the available evidence, the clinical significance of this variant remains unclear.